The following is an entry in ClinVar:

NM_020631.6(PLEKHG5):c.1498A>G (p.Arg500Gly)

Gene: PLEKHG5 (pleckstrin homology and RhoGEF domain containing G5; minus strand). Cytogenetic location: 1p36.31.
Variant type: single nucleotide variant.
Coding change: c.1498A>G on transcript NM_020631.6 (MANE Select); coding-DNA position 1498, A replaced by G.
Protein change: p.Arg500Gly; replaces arginine 500 with glycine.
Molecular consequence: missense variant.
Genome position (GRCh38, 1-based): chr1:6,470,779, T>C on the plus strand (A>G on the coding strand, the complement: PLEKHG5 is on the minus strand). VCF-style: chr1-6470779-T-C. GRCh37 (hg19) VCF-style: chr1-6530839-T-C.
Other names: c.1609A>G, p.Arg537Gly (NM_001042663.3, NM_001265592.2); c.1498A>G, p.Arg500Gly (NM_001042664.2, NM_001042665.2, NM_001265594.3 and 1 more transcripts); c.1705A>G, p.Arg569Gly (NM_001265593.2); short protein forms R500G, R569G, R537G.
Identifiers: ClinVar variation 2015886 (VCV002015886.4), dbSNP rs2523155224, ClinGen allele CA338126527.

ClinVar aggregate classification (germline): Uncertain significance (1 of 4 stars; one submission).

Conditions:
Neuronopathy, distal hereditary motor, autosomal recessive 4. Also called: NEUROPATHY, DISTAL HEREDITARY MOTOR, AUTOSOMAL RECESSIVE 4; Autosomal recessive lower motor neuron disease with childhood onset. Identifiers: Orphanet 206580, MedGen C1970211, MONDO:0012608, OMIM 611067.
Charcot-Marie-Tooth disease recessive intermediate C. Also called: CHARCOT-MARIE-TOOTH NEUROPATHY, RECESSIVE INTERMEDIATE C. Identifiers: Orphanet 369867, MedGen C3809309, MONDO:0014154, OMIM 615376.

Submission:

Labcorp Genetics (formerly Invitae), Labcorp
Classification: Uncertain significance for Neuronopathy, distal hereditary motor, autosomal recessive 4; Charcot-Marie-Tooth disease recessive intermediate C. Last evaluated: 2022-07-11. Review status: criteria provided, single submitter. Criteria: Invitae Variant Classification Sherloc (09022015). Collection method: clinical testing. Allele origin: germline.
Comment: This variant has not been reported in the literature in individuals affected with PLEKHG5-related conditions. In summary, the available evidence is currently insufficient to determine the role of this variant in disease. Therefore, it has been classified as a Variant of Uncertain Significance. Algorithms developed to predict the effect of missense changes on protein structure and function are either unavailable or do not agree on the potential impact of this missense change (SIFT: "Deleterious"; PolyPhen-2: "Benign"; Align-GVGD: "Class C0"). This variant is not present in population databases (gnomAD no frequency). This sequence change replaces arginine, which is basic and polar, with glycine, which is neutral and non-polar, at codon 500 of the PLEKHG5 protein (p.Arg500Gly).